The following is an entry in ClinVar:

ClinVar aggregate classification (germline): Uncertain significance (1 of 4 stars; one submission).

Allele frequency attached by ClinVar (database versions not stated): TOPMed below 0.00001; ExAC 0.00001; ESP Exome Variant Server 0.00008.

Submission:

Labcorp Genetics (formerly Invitae), Labcorp
Classification: Uncertain significance. Last evaluated: 2022-09-01. Review status: criteria provided, single submitter. Criteria: Invitae Variant Classification Sherloc (09022015). Collection method: clinical testing. Allele origin: germline.
Comment: This sequence change replaces glutamine, which is neutral and polar, with arginine, which is basic and polar, at codon 49 of the PPP2R5D protein (p.Gln49Arg). In summary, the available evidence is currently insufficient to determine the role of this variant in disease. Therefore, it has been classified as a Variant of Uncertain Significance. Algorithms developed to predict the effect of missense changes on protein structure and function (SIFT, PolyPhen-2, Align-GVGD) all suggest that this variant is likely to be tolerated. ClinVar contains an entry for this variant (Variation ID: 1503677). This variant has not been reported in the literature in individuals affected with PPP2R5D-related conditions. This variant is present in population databases (rs370441625, gnomAD 0.0009%).

NM_006245.4(PPP2R5D):c.146A>G (p.Gln49Arg)

Gene: PPP2R5D (protein phosphatase 2 regulatory subunit B'delta; plus strand). Cytogenetic location: 6p21.1.
Variant type: single nucleotide variant.
Coding change: c.146A>G on transcript NM_006245.4 (MANE Select); coding-DNA position 146, A replaced by G.
Protein change: p.Gln49Arg; replaces glutamine 49 with arginine.
Molecular consequence: missense variant. On other transcripts: 5 prime UTR variant (1), intron variant (1).
Genome position (GRCh38, 1-based): chr6:43,006,503, A>G. VCF-style: chr6-43006503-A-G. GRCh37 (hg19) VCF-style: chr6-42974241-A-G.
Other names: c.-308A>G (NM_001270476.2); c.146A>G, p.Gln49Arg (NM_180976.3); c.28-431A>G (NM_180977.3); short protein forms Q49R.
Identifiers: ClinVar variation 1503677 (VCV001503677.8), dbSNP rs370441625, ClinGen allele CA3811763.